The following is an entry in ClinVar:

ClinVar aggregate classification (germline): Pathogenic. Review status: criteria provided, multiple submitters, no conflicts (2 of 4 stars). 2 submissions from 2 submitters: Pathogenic (2). Last evaluated 2025-12-15.

Conditions:
Short stature and advanced bone age, with or without early-onset osteoarthritis and/or osteochondritis dissecans (SSOAOD). Identifiers: Orphanet 251262, MedGen C3665488, MONDO:0100462, OMIM 165800.

Submissions (2):

Labcorp Genetics (formerly Invitae), Labcorp
Classification: Pathogenic. Last evaluated: 2025-12-15. Review status: criteria provided, single submitter. Criteria: Invitae Variant Classification Sherloc (09022015). Collection method: clinical testing. Allele origin: germline.
Comment: This sequence change creates a premature translational stop signal (p.Trp290Glyfs*36) in the ACAN gene. It is expected to result in an absent or disrupted protein product. Loss-of-function variants in ACAN are known to be pathogenic (PMID: 16080123, 24762113). This variant is not present in population databases (gnomAD no frequency). This variant has not been reported in the literature in individuals affected with ACAN-related conditions. ClinVar contains an entry for this variant (Variation ID: 1426035). For these reasons, this variant has been classified as Pathogenic.

3billion
Classification: Pathogenic for Short stature and advanced bone age, with or without early-onset osteoarthritis and/or osteochondritis dissecans. Last evaluated: 2023-12-26. Review status: criteria provided, single submitter. Criteria: ACMG Guidelines, 2015. Collection method: clinical testing. Allele origin: germline. Affected: yes.
Comment: The variant is not observed in the gnomAD v2.1.1 dataset. Predicted Consequence/Location: Frameshift: predicted to result in a loss or disruption of normal protein function through nonsense-mediated decay (NMD) or protein truncation. Multiple pathogenic variants are reported downstream of the variant. The variant has been reported to be associated with ACAN-related disorder (ClinVar ID: VCV001426035 /3billion dataset). Therefore, this variant is classified as Pathogenic according to the recommendation of ACMG/AMP guideline.

Literature cited by the submitters: PubMed 16080123 (cited by Labcorp Genetics (formerly Invitae), Labcorp); PubMed 24762113 (cited by Labcorp Genetics (formerly Invitae), Labcorp).

NM_001369268.1(ACAN):c.867del (p.Trp290fs)

Gene: ACAN (aggrecan; plus strand). Cytogenetic location: 15q26.1.
Variant type: Deletion.
Coding change: c.867del on transcript NM_001369268.1 (MANE Select); coding-DNA position 867, one base deleted (C; older notation c.867delC).
Protein change: p.Trp290fs; shifts the reading frame from tryptophan 290.
Molecular consequence: frameshift variant.
Genome position (GRCh38, 1-based): chr15:88,843,464, C deleted; the last of 2 consecutive C bases (chr15:88,843,463-88,843,464); deleting either gives the same sequence. VCF-style (leftmost placement, unchanged base first): chr15-88843462-GC-G. GRCh37 (hg19) VCF-style: chr15-89386693-GC-G.
Other names: c.867del, p.Trp290fs (NM_001135.4, NM_013227.4); short protein forms W290fs.
Identifiers: ClinVar variation 1426035 (VCV001426035.7), dbSNP rs2141576691, ClinGen allele CA2573151311.